The following is an entry in ClinVar:

ClinVar aggregate classification (germline): Conflicting classifications of pathogenicity. Review status: criteria provided, conflicting classifications (1 of 4 stars). 2 submissions from 2 submitters: Uncertain significance (1); Likely benign (1). Last evaluated 2025-06-17.

Conditions:
Inborn genetic diseases. Identifiers: MedGen C0950123, MeSH D030342.

Allele frequency attached by ClinVar (database versions not stated): gnomAD 0.00004; gnomAD exomes 0.00004 and 0.00009; ExAC 0.00006.
gnomAD v4.1: 66 of 1,535,174 alleles (0.0043%); highest among the groups gnomAD compares: South Asian, 0.03%; no homozygotes.

Submissions (2):

Ambry Genetics
Classification: Likely benign for Inborn genetic diseases. Last evaluated: 2025-06-17. Review status: criteria provided, single submitter. Criteria: Ambry Variant Classification Scheme 2023. Collection method: clinical testing. Allele origin: germline.

ARUP Laboratories, Molecular Genetics and Genomics, ARUP Laboratories
Classification: Uncertain significance. Last evaluated: 2024-10-29. Review status: criteria provided, single submitter. Criteria: ARUP Molecular Germline Variant Investigation Process 2024. Collection method: clinical testing. Allele origin: germline.
Comment: The PIEZO1 c.352G>A; p.Ala118Thr variant (rs752004128), to our knowledge, is not reported in the medical literature but is reported in ClinVar (Variation ID: 811229). This variant is found in the general population with an overall allele frequency of 0.008% (14/172,206 alleles) in the Genome Aggregation Database (v2.1.1). Computational analyses predict that this variant is neutral (REVEL: 0.124). However, given the lack of clinical and functional data, the significance of this variant is uncertain at this time.

NM_001142864.4(PIEZO1):c.352G>A (p.Ala118Thr)

Gene: PIEZO1 (piezo type mechanosensitive ion channel component 1 (Er blood group); minus strand). Cytogenetic location: 16q24.3.
Variant type: single nucleotide variant.
Coding change: c.352G>A on transcript NM_001142864.4 (MANE Select); coding-DNA position 352, G replaced by A.
Protein change: p.Ala118Thr; replaces alanine 118 with threonine.
Molecular consequence: missense variant.
Genome position (GRCh38, 1-based): chr16:88,741,591, C>T on the plus strand (G>A on the coding strand, the complement: PIEZO1 is on the minus strand). VCF-style: chr16-88741591-C-T. GRCh37 (hg19) VCF-style: chr16-88807999-C-T.
Other names: c.352G>A (NM_001142864.2); short protein forms A118T.
Identifiers: ClinVar variation 811229 (VCV000811229.10), dbSNP rs752004128, ClinGen allele CA8233287.